The following is an entry in ClinVar:

NM_000051.4(ATM):c.4921G>C (p.Asp1641His)

Gene: ATM (ATM serine/threonine kinase; plus strand). Cytogenetic location: 11q22.3.
Variant type: single nucleotide variant.
Coding change: c.4921G>C on transcript NM_000051.4 (MANE Select); coding-DNA position 4921, G replaced by C.
Protein change: p.Asp1641His; replaces aspartic acid 1641 with histidine.
Molecular consequence: missense variant.
Genome position (GRCh38, 1-based): chr11:108,297,298, G>C. VCF-style: chr11-108297298-G-C. GRCh37 (hg19) VCF-style: chr11-108168025-G-C.
Other names: c.4921G>C, p.Asp1641His (NM_001351834.2); short protein forms D1641H.
Identifiers: ClinVar variation 143016 (VCV000143016.35), dbSNP rs587782896, ClinGen allele CA170032.
Genomic context (GRCh38, chr11:108,297,298, plus strand): 5'-GTGTTGTCTTCATGCTAGTTTAAACTAATTTTTAAAAAATTATTTCTAGATAATCCGCAA[G>C]ATGGGATTATGGTGAAACTAGTTGTCAATTTGTTGCAGTTATCCAAGATGGCAATAAACC-3'
Protein context (NP_000042.3, residues 1631-1651): IMRASQDNPQ[Asp1641His]GIMVKLVVNL

ClinVar aggregate classification (germline): Conflicting classifications of pathogenicity. Review status: criteria provided, conflicting classifications (1 of 4 stars). 9 submissions from 9 submitters: Uncertain significance (6); Likely benign (1). 2 of the submissions do not count toward it. Last evaluated 2026-02-03.

Conditions:
Hereditary cancer-predisposing syndrome. Also called: Tumor predisposition; Neoplastic Syndromes, Hereditary; Hereditary neoplastic syndrome; Hereditary Cancer Syndrome. Identifiers: Orphanet 140162, MedGen C0027672, MeSH D009386, MONDO:0015356.
Familial cancer of breast. Also called: BREAST CANCER, FAMILIAL; hereditary breast carcinoma; Hereditary breast cancer. Identifiers: Orphanet 227535, MedGen C0346153, MONDO:0016419, OMIM 114480. Disease mechanism: loss of function.
Ataxia-telangiectasia syndrome (AT). Also called: Ataxia-telangiectasia; Cerebello-oculocutaneous telangiectasia; Immunodeficiency with ataxia telangiectasia; Ataxia-telangiectasia, complementation group D; AT, COMPLEMENTATION GROUP C; ATAXIA-TELANGIECTASIA, COMPLEMENTATION GROUP A. Identifiers: Orphanet 100, MedGen C0004135, MONDO:0008840, OMIM 208900.

Allele frequency attached by ClinVar (database versions not stated): ExAC 0.00001; gnomAD exomes 0.00001; TOPMed 0.00001; gnomAD 0.00002.
gnomAD v4.1: 15 of 1,613,598 alleles (0.00093%); highest among the groups gnomAD compares: Non-Finnish European, 0.0012%; no homozygotes.

Submissions (9):

Labcorp Genetics (formerly Invitae), Labcorp
Classification: Uncertain significance for Ataxia-telangiectasia syndrome. Last evaluated: 2026-02-03. Review status: criteria provided, single submitter. Criteria: Invitae Variant Classification Sherloc (09022015). Collection method: clinical testing. Allele origin: germline.
Comment: This sequence change replaces aspartic acid, which is acidic and polar, with histidine, which is basic and polar, at codon 1641 of the ATM protein (p.Asp1641His). This variant is present in population databases (rs587782896, gnomAD 0.002%). This missense change has been observed in individual(s) with breast cancer, lung cancer, and/or lymphoma (PMID: 26689913, 28843361, 32868316). ClinVar contains an entry for this variant (Variation ID: 143016). Invitae Evidence Modeling of protein sequence and biophysical properties (such as structural, functional, and spatial information, amino acid conservation, physicochemical variation, residue mobility, and thermodynamic stability) indicates that this missense variant is not expected to disrupt ATM protein function with a negative predictive value of 95%. In summary, the available evidence is currently insufficient to determine the role of this variant in disease. Therefore, it has been classified as a Variant of Uncertain Significance.

Ambry Genetics
Classification: Likely benign for Hereditary cancer-predisposing syndrome. Last evaluated: 2025-09-26. Review status: criteria provided, single submitter. Criteria: Ambry Variant Classification Scheme 2023. Collection method: clinical testing. Allele origin: germline.

Quest Diagnostics Nichols Institute San Juan Capistrano
Classification: Uncertain significance. Last evaluated: 2025-06-13. Review status: criteria provided, single submitter. Criteria: Quest Diagnostics criteria. Collection method: clinical testing. Allele origin: unknown.

Women's Health and Genetics/Laboratory Corporation of America, LabCorp
Classification: Uncertain significance. Last evaluated: 2025-01-20. Review status: criteria provided, single submitter. Criteria: LabCorp Variant Classification Summary - May 2015. Collection method: clinical testing. Allele origin: germline.
Comment: Variant summary: ATM c.4921G>C (p.Asp1641His) results in a non-conservative amino acid change in the encoded protein sequence. Four of five in-silico tools predict a damaging effect of the variant on protein function. The variant allele was found at a frequency of 8e-06 in 250982 control chromosomes (gnomAD). The available data on variant occurrences in the general population are insufficient to allow any conclusion about variant significance. c.4921G>C has been reported in the literature in individuals affected with various tumor phenotypes, including lymphoma, lung carcinoma, and breast cancer (e.g. Parry_2017, Purrington_2020, Ricciuti_2023), however no supportive evidence for causality was provided. These reports do not provide unequivocal conclusions about association of the variant with Ataxia-Telangiectasia. To our knowledge, no experimental evidence demonstrating an impact on protein function has been reported. The following publications have been ascertained in the context of this evaluation (PMID: 28843361, 32868316, 37097610). ClinVar contains an entry for this variant (Variation ID: 143016). Based on the evidence outlined above, the variant was classified as uncertain significance.

GeneDx
Classification: Uncertain significance. Last evaluated: 2024-12-04. Review status: criteria provided, single submitter. Criteria: GeneDx Variant Classification Process June 2021. Collection method: clinical testing. Allele origin: germline. Affected: yes.
Comment: Not observed at significant frequency in large population cohorts (gnomAD); In silico analysis supports that this missense variant has a deleterious effect on protein structure/function; Observed in an individual with lung cancer (PMID: 26689913); This variant is associated with the following publications: (PMID: 27060149, 26689913)

Color Diagnostics, LLC DBA Color Health
Classification: Uncertain significance for Hereditary cancer-predisposing syndrome. Last evaluated: 2024-09-04. Review status: criteria provided, single submitter. Criteria: ACMG Guidelines, 2015. Collection method: clinical testing. Allele origin: germline.
Comment: This missense variant replaces aspartic acid with histidine at codon 1641 of the ATM protein. Computational prediction suggests that this variant may not impact protein structure and function. To our knowledge, functional studies have not been performed for this variant. This variant has been reported in an individual affected with lung adenocarcinoma (PMID: 26689913). This variant has also been identified in 3/282394 chromosomes in the general population by the Genome Aggregation Database (gnomAD). The available evidence is insufficient to determine the role of this variant in disease conclusively. Therefore, this variant is classified as a Variant of Uncertain Significance.

Baylor Genetics
Classification: Uncertain significance for Familial cancer of breast. Last evaluated: 2024-02-28. Review status: criteria provided, single submitter. Criteria: ACMG Guidelines, 2015. Collection method: clinical testing. Allele origin: unknown.

Natera, Inc.
Classification: Uncertain significance for Ataxia-telangiectasia. Last evaluated: 2021-09-29. Review status: no assertion criteria provided. Collection method: clinical testing. Allele origin: germline. Not counted in ClinVar's aggregate classification.

Counsyl
Classification: Uncertain significance for Ataxia-telangiectasia syndrome. Last evaluated: 2017-05-01. Review status: no assertion criteria provided. Collection method: clinical testing. Allele origin: unknown. Not counted in ClinVar's aggregate classification.

Literature cited by the submitters: PubMed 26689913 (cited by Labcorp Genetics (formerly Invitae), Labcorp and Color Diagnostics, LLC DBA Color Health); PubMed 28843361 (cited by Labcorp Genetics (formerly Invitae), Labcorp and Women's Health and Genetics/Laboratory Corporation of America, LabCorp); PubMed 32868316 (cited by 3 submitters); PubMed 40580951 (cited by Ambry Genetics); PubMed 37097610 (cited by Women's Health and Genetics/Laboratory Corporation of America, LabCorp).